The following is an entry in ClinVar:

NM_006231.4(POLE):c.6421G>A (p.Glu2141Lys)

Gene: POLE (DNA polymerase epsilon, catalytic subunit; minus strand). Cytogenetic location: 12q24.33.
Variant type: single nucleotide variant.
Coding change: c.6421G>A on transcript NM_006231.4 (MANE Select); coding-DNA position 6421, G replaced by A.
Protein change: p.Glu2141Lys; replaces glutamic acid 2141 with lysine.
Molecular consequence: missense variant.
Genome position (GRCh38, 1-based): chr12:132,626,227, C>T on the plus strand (G>A on the coding strand, the complement: POLE is on the minus strand). VCF-style: chr12-132626227-C-T. GRCh37 (hg19) VCF-style: chr12-133202813-C-T.
Other names: c.6421G>A (NM_006231.2); short protein forms E2141K.
Identifiers: ClinVar variation 2905026 (VCV002905026.5), dbSNP rs2541841955, ClinGen allele CA387367620.

ClinVar aggregate classification (germline): Uncertain significance. Review status: criteria provided, multiple submitters, no conflicts (2 of 4 stars). 3 submissions from 3 submitters: Uncertain significance (3). Last evaluated 2025-11-02.

Conditions:
POLD1-related polyposis and colorectal cancer syndrome (CRCS10). Also called: Colorectal cancer 10; COLORECTAL CANCER, SUSCEPTIBILITY TO, ON CHROMOSOME 19q; Colorectal cancer, susceptibility to, 10. Identifiers: Orphanet 220460, MedGen C2675481, MONDO:0012953, OMIM 612591.
Hereditary cancer-predisposing syndrome. Also called: Neoplastic Syndromes, Hereditary; Tumor predisposition; Hereditary Cancer Syndrome; Hereditary neoplastic syndrome. Identifiers: Orphanet 140162, MedGen C0027672, MeSH D009386, MONDO:0015356.

Allele frequency attached by ClinVar (database versions not stated): gnomAD exomes below 0.00001.
gnomAD v4.1: 1 of 1,613,836 alleles (0.000062%); highest among the groups gnomAD compares: Non-Finnish European, 0.000085%; no homozygotes.

Submissions (3):

Ambry Genetics
Classification: Uncertain significance for Hereditary cancer-predisposing syndrome. Last evaluated: 2025-11-02. Review status: criteria provided, single submitter. Criteria: Ambry Variant Classification Scheme 2023. Collection method: clinical testing. Allele origin: germline.
Comment: The p.E2141K variant (also known as c.6421G>A), located in coding exon 46 of the POLE gene, results from a G to A substitution at nucleotide position 6421. The glutamic acid at codon 2141 is replaced by lysine, an amino acid with similar properties. This amino acid position is conserved. In addition, this alteration is predicted to be tolerated by in silico analysis. Based on the available evidence, the clinical significance of this variant remains unclear.

Molecular Pathology, Peter Maccallum Cancer Centre
Classification: Uncertain significance for POLD1-related polyposis and colorectal cancer syndrome. Last evaluated: 2024-02-12. Review status: criteria provided, single submitter. Criteria: ACMG Guidelines, 2015. Collection method: clinical testing. Allele origin: germline. Inheritance: Autosomal dominant inheritance.

Labcorp Genetics (formerly Invitae), Labcorp
Classification: Uncertain significance. Last evaluated: 2023-05-07. Review status: criteria provided, single submitter. Criteria: Invitae Variant Classification Sherloc (09022015). Collection method: clinical testing. Allele origin: germline.
Comment: In summary, the available evidence is currently insufficient to determine the role of this variant in disease. Therefore, it has been classified as a Variant of Uncertain Significance. Advanced modeling of protein sequence and biophysical properties (such as structural, functional, and spatial information, amino acid conservation, physicochemical variation, residue mobility, and thermodynamic stability) performed at Invitae indicates that this missense variant is not expected to disrupt POLE protein function. This variant has not been reported in the literature in individuals affected with POLE-related conditions. This variant is not present in population databases (gnomAD no frequency). This sequence change replaces glutamic acid, which is acidic and polar, with lysine, which is basic and polar, at codon 2141 of the POLE protein (p.Glu2141Lys).